The following is an entry in ClinVar:

NM_000478.6(ALPL):c.1466G>A (p.Cys489Tyr)

Gene: ALPL (alkaline phosphatase, biomineralization associated; plus strand). Cytogenetic location: 1p36.12.
Variant type: single nucleotide variant.
Coding change: c.1466G>A on transcript NM_000478.6 (MANE Select); coding-DNA position 1466, G replaced by A.
Protein change: p.Cys489Tyr; replaces cysteine 489 with tyrosine.
Molecular consequence: missense variant.
Genome position (GRCh38, 1-based): chr1:21,577,539, G>A. VCF-style: chr1-21577539-G-A. GRCh37 (hg19) VCF-style: chr1-21904032-G-A.
Other names: c.1301G>A, p.Cys434Tyr (NM_001127501.4); c.1235G>A, p.Cys412Tyr (NM_001177520.3); c.1466G>A, p.Cys489Tyr (NM_001369803.2, NM_001369804.2, NM_001369805.2); short protein forms C412Y, C434Y, C489Y.
Identifiers: ClinVar variation 4974794 (VCV004974794.1).

ClinVar aggregate classification (germline): Uncertain significance (1 of 4 stars; one submission).

Conditions:
Hypophosphatasia. Also called: Phosphoethanol-aminuria. Identifiers: Orphanet 436, MedGen C0020630, MeSH D007014, MONDO:0018570.

Submission:

Genomenon, Inc
Classification: Uncertain significance for Hypophosphatasia. Last evaluated: 2026-09-01. Review status: criteria provided, single submitter. Criteria: Genomenon Sequence Variant Interpretation Standards - Updated. Collection method: curation. Allele origin: germline. Affected: no.
Comment: ALPL p.Cys489Tyr (c.1466G>A) is a missense variant that changes the amino acid at codon 489 from Cysteine to Tyrosine. This variant has been reported in the published literature (PMID:39925621). It is absent or not present at a significant frequency in gnomAD. In silico models predict that this variant is possibly or probably damaging. In conclusion, we classify ALPL p.Cys489Tyr (c.1466G>A) as a variant of uncertain significance.

Literature cited by the submitters: PubMed 39925621.